The following is an entry in ClinVar:

ClinVar aggregate classification (germline): Uncertain significance (1 of 4 stars; one submission).

Allele frequency attached by ClinVar (database versions not stated): gnomAD exomes 0.00001; TOPMed 0.00001.
gnomAD v4.1: 9 of 1,212,005 alleles (0.00074%); highest among the groups gnomAD compares: Non-Finnish European, 0.001%; no homozygotes.

Submission:

GeneDx
Classification: Uncertain significance. Last evaluated: 2022-02-21. Review status: criteria provided, single submitter. Criteria: GeneDx Variant Classification Process June 2021. Collection method: clinical testing. Allele origin: germline. Affected: yes.
Comment: Not observed at significant frequency in large population cohorts (gnomAD); In silico analysis supports that this missense variant does not alter protein structure/function; Has not been previously published as pathogenic or benign to our knowledge

NM_006517.5(SLC16A2):c.898C>T (p.His300Tyr)

Gene: SLC16A2 (solute carrier family 16 member 2; plus strand). Cytogenetic location: Xq13.2.
Variant type: single nucleotide variant.
Coding change: c.898C>T on transcript NM_006517.5 (MANE Select); coding-DNA position 898, C replaced by T.
Protein change: p.His300Tyr; replaces histidine 300 with tyrosine.
Molecular consequence: missense variant.
Genome position (GRCh38, 1-based): chrX:74,524,681, C>T. VCF-style: chrX-74524681-C-T. GRCh37 (hg19) VCF-style: chrX-73744516-C-T.
Other names: short protein forms H300Y.
Identifiers: ClinVar variation 1702588 (VCV001702588.2), dbSNP rs1176102294, ClinGen allele CA413657522.